The following is an entry in ClinVar:

NC_000009.11:g.(?_108337314)_(108397545_?)del

Gene: FKTN (fukutin; plus strand). Cytogenetic location: 9q31.2.
Variant type: Deletion.
Identifiers: ClinVar variation 3245097 (VCV003245097.1).

ClinVar aggregate classification (germline): Pathogenic (1 of 4 stars; one submission).

Conditions:
Walker-Warburg congenital muscular dystrophy. Also called: Muscular dystrophy-dystroglycanopathy, type A; Walker-Warburg syndrome. Identifiers: Orphanet 899, MedGen C0265221, MONDO:0000171.

Submission:

Labcorp Genetics (formerly Invitae), Labcorp
Classification: Pathogenic for Walker-Warburg congenital muscular dystrophy. Last evaluated: 2022-12-12. Review status: criteria provided, single submitter. Criteria: Invitae Variant Classification Sherloc (09022015). Collection method: clinical testing. Allele origin: unknown.
Comment: For these reasons, this variant has been classified as Pathogenic. This variant has not been reported in the literature in individuals affected with FKTN-related conditions. A gross deletion of the genomic region encompassing the full coding sequence of the FKTN gene has been identified. Loss-of-function variants in FKTN are known to be pathogenic (PMID: 17044012, 17878207, 18752264). The boundaries of this event are unknown as they extend beyond the assayed region for this gene and therefore may encompass additional genes.

Literature cited by the submitters: PubMed 17044012; PubMed 17878207; PubMed 18752264.